The following is an entry in ClinVar:

NM_004260.4(RECQL4):c.1666G>A (p.Gly556Ser)

Gene: RECQL4 (RecQ like helicase 4; minus strand). Cytogenetic location: 8q24.3.
Variant type: single nucleotide variant.
Coding change: c.1666G>A on transcript NM_004260.4 (MANE Select); coding-DNA position 1666, G replaced by A.
Protein change: p.Gly556Ser; replaces glycine 556 with serine.
Molecular consequence: missense variant.
Genome position (GRCh38, 1-based): chr8:144,514,480, C>T on the plus strand (G>A on the coding strand, the complement: RECQL4 is on the minus strand). VCF-style: chr8-144514480-C-T. GRCh37 (hg19) VCF-style: chr8-145739864-C-T.
Other names: c.1666G>A (NM_004260.3); short protein forms G556S.
Identifiers: ClinVar variation 1432837 (VCV001432837.7), dbSNP rs756459145, ClinGen allele CA4948718.

ClinVar aggregate classification (germline): Uncertain significance. Review status: criteria provided, multiple submitters, no conflicts (2 of 4 stars). 2 submissions from 2 submitters: Uncertain significance (2). Last evaluated 2025-10-03.

Conditions:
Baller-Gerold syndrome (BGS). Also called: CRANIOSYNOSTOSIS WITH RADIAL DEFECTS. Identifiers: Orphanet 1225, MedGen C0265308, MONDO:0009039, OMIM 218600.
Inborn genetic diseases. Identifiers: MedGen C0950123, MeSH D030342.

Allele frequency attached by ClinVar (database versions not stated): gnomAD exomes below 0.00001; ExAC 0.00001.

Submissions (2):

Ambry Genetics
Classification: Uncertain significance for Inborn genetic diseases. Last evaluated: 2025-10-03. Review status: criteria provided, single submitter. Criteria: Ambry Variant Classification Scheme 2023. Collection method: clinical testing. Allele origin: germline.
Comment: The p.G556S variant (also known as c.1666G>A), located in coding exon 10 of the RECQL4 gene, results from a G to A substitution at nucleotide position 1666. The glycine at codon 556 is replaced by serine, an amino acid with similar properties. This amino acid position is conserved. In addition, the in silico prediction for this alteration is inconclusive. Based on the available evidence, the clinical significance of this variant remains unclear.

Labcorp Genetics (formerly Invitae), Labcorp
Classification: Uncertain significance for Baller-Gerold syndrome. Last evaluated: 2021-10-20. Review status: criteria provided, single submitter. Criteria: Invitae Variant Classification Sherloc (09022015). Collection method: clinical testing. Allele origin: germline.
Comment: In summary, the available evidence is currently insufficient to determine the role of this variant in disease. Therefore, it has been classified as a Variant of Uncertain Significance. Experimental studies and prediction algorithms are not available or were not evaluated, and the functional significance of this variant is currently unknown. This variant has not been reported in the literature in individuals affected with RECQL4-related conditions. This variant is present in population databases (rs756459145, gnomAD 0.0009%). This sequence change replaces glycine, which is neutral and non-polar, with serine, which is neutral and polar, at codon 556 of the RECQL4 protein (p.Gly556Ser).